The following is an entry in ClinVar:

NM_017433.5(MYO3A):c.3112-2A>G

Gene: MYO3A (myosin IIIA; plus strand). Cytogenetic location: 10p12.1.
Variant type: single nucleotide variant.
Coding change: c.3112-2A>G on transcript NM_017433.5 (MANE Select); the canonical splice acceptor site of the intron before coding-DNA position 3112, A replaced by G.
Molecular consequence: splice acceptor variant.
Genome position (GRCh38, 1-based): chr10:26,168,710, A>G. VCF-style: chr10-26168710-A-G. GRCh37 (hg19) VCF-style: chr10-26457639-A-G.
Identifiers: ClinVar variation 2635313 (VCV002635313.1), dbSNP rs2493908435, ClinGen allele CA376337312.
Genomic context (GRCh38, chr10:26,168,710, plus strand): 5'-CAGCACATAACTGCTTCACATCTGTGTGCCATGGTTCTTTGTATTATATTTTAATTTTTC[A>G]GGTGTTCCTTAAGTATTATCACGTGGAGCAGTTAAATCTAATGCGAAAGGAAGCTATTGA-3'

ClinVar aggregate classification (germline): Likely pathogenic (1 of 4 stars; one submission).

Conditions:
MYO3A-related disorder. Also called: MYO3A-related condition.

Allele frequency attached by ClinVar (database versions not stated): gnomAD exomes below 0.00001.
gnomAD v4.1: 3 of 1,611,950 alleles (0.00019%); highest among the groups gnomAD compares: Middle Eastern, 0.035%; no homozygotes.

Submission:

PreventionGenetics, part of Exact Sciences
Classification: Likely pathogenic for MYO3A-related condition. Last evaluated: 2023-03-28. Review status: criteria provided, single submitter. Criteria: ACMG Guidelines, 2015. Collection method: clinical testing. Allele origin: germline.
Comment: The MYO3A c.3112-2A>G variant is predicted to disrupt the AG splice acceptor site and interfere with normal splicing. This variant was reported in an individual with early onset deafness (Table 3 in Boucher et al. 2020. PubMed ID: 33229591). This variant has not been reported in a large population database, indicating this variant is rare. This variant is predicted to disrupt an AG acceptor site (Alamut Visual Plus v.1.6.1) and variants that disrupt the consensus splice acceptor site in MYO3A are expected to be pathogenic. This variant is interpreted as likely pathogenic.